The following is an entry in ClinVar:

NM_006214.4(PHYH):c.328G>A (p.Glu110Lys)

Gene: PHYH (phytanoyl-CoA 2-hydroxylase; minus strand). Cytogenetic location: 10p13.
Variant type: single nucleotide variant.
Coding change: c.328G>A on transcript NM_006214.4 (MANE Select); coding-DNA position 328, G replaced by A.
Protein change: p.Glu110Lys; replaces glutamic acid 110 with lysine.
Molecular consequence: missense variant.
Genome position (GRCh38, 1-based): chr10:13,294,514, C>T on the plus strand (G>A on the coding strand, the complement: PHYH is on the minus strand). VCF-style: chr10-13294514-C-T. GRCh37 (hg19) VCF-style: chr10-13336514-C-T.
Other names: c.28G>A, p.Glu10Lys (NM_001037537.2, NM_001323080.2, NM_001323084.2); c.328G>A, p.Glu110Lys (NM_001323082.2, NM_001323083.2); short protein forms E110K, E10K.
Identifiers: ClinVar variation 1492655 (VCV001492655.5), dbSNP rs768690285, ClinGen allele CA5412414.
Genomic context (GRCh38, chr10:13,294,514, plus strand): 5'-GCTCCTTATCTTCCTGGAAATCCTGGACCTTCGTGATCATCTTCTCACTTGGAGCATATT[C>T]GGATTTCGAAATGGTCACATCTCTCATTACTGTTAATCCTAATGGTTTCACCTCCTTTCT-3'
Protein context (NP_006205.1, residues 100-120): VMRDVTISKS[Glu110Lys]YAPSEKMITK

ClinVar aggregate classification (germline): Uncertain significance (1 of 4 stars; one submission).

Allele frequency attached by ClinVar (database versions not stated): ExAC 0.00001; gnomAD exomes 0.00001.
gnomAD v4.1: 11 of 1,613,826 alleles (0.00068%); highest among the groups gnomAD compares: East Asian, 0.0045%; no homozygotes.

Submission:

Labcorp Genetics (formerly Invitae), Labcorp
Classification: Uncertain significance. Last evaluated: 2022-07-05. Review status: criteria provided, single submitter. Criteria: Invitae Variant Classification Sherloc (09022015). Collection method: clinical testing. Allele origin: germline.
Comment: This sequence change replaces glutamic acid, which is acidic and polar, with lysine, which is basic and polar, at codon 110 of the PHYH protein (p.Glu110Lys). This variant is not present in population databases (gnomAD no frequency). This variant has not been reported in the literature in individuals affected with PHYH-related conditions. ClinVar contains an entry for this variant (Variation ID: 1492655). Algorithms developed to predict the effect of missense changes on protein structure and function output the following: SIFT: "Tolerated"; PolyPhen-2: "Benign"; Align-GVGD: "Class C0". The lysine amino acid residue is found in multiple mammalian species, which suggests that this missense change does not adversely affect protein function. In summary, the available evidence is currently insufficient to determine the role of this variant in disease. Therefore, it has been classified as a Variant of Uncertain Significance.